The following is an entry in ClinVar:

ClinVar aggregate classification (germline): Pathogenic (1 of 4 stars; one submission).

Conditions:
Tolchin-Le Caignec syndrome. Also called: INTELLECTUAL DEVELOPMENTAL DISORDER WITH BEHAVIORAL ABNORMALITIES AND VARIABLE BONE DEFECTS. Identifiers: MedGen C5436509, MONDO:0033544, OMIM 618971.

Submission:

Victorian Clinical Genetics Services, Murdoch Childrens Research Institute
Classification: Pathogenic for Tolchin-Le Caignec syndrome. Last evaluated: 2022-06-24. Review status: criteria provided, single submitter. Criteria: ACMG Guidelines, 2015. Collection method: clinical testing. Allele origin: germline. Inheritance: Autosomal dominant inheritance. Affected: yes.
Comment: Based on the classification scheme VCGS_Germline_v1.3.4, this variant is classified as Pathogenic. Following criteria are met: 0102 - Loss of function is a known mechanism of disease in this gene and is associated with Tolchin-Le Caignec syndrome (MIM#618971). (I) 0107 - This gene is associated with autosomal dominant disease. (I) 0115 - Variants in this gene are known to have variable expressivity. Inconsistent abnormalities including mild dysmorphism, craniosynostosis and osteochrondromas have been reported (PMID: 32442410). (I) 0201 - Variant is predicted to cause nonsense-mediated decay (NMD) and loss of protein (premature termination codon is located at least 54 nucleotides upstream of the final exon-exon junction). (SP) 0251 - This variant is heterozygous. (I) 0301 - Variant is absent from gnomAD (both v2 and v3). (SP) 0701 - Other NMD-predicted variants comparable to the one identified in this case have very strong previous evidence for pathogenicity (ClinVar, DECIPHER). (SP) 0807 - This variant has no previous evidence of pathogenicity. (I) 0905 - No published segregation evidence has been identified for this variant. (I) 1007 - No published functional evidence has been identified for this variant. (I) 1208 - Inheritance information for this variant is not currently available in this individual. (I) Legend: (SP) - Supporting pathogenic, (I) - Information, (SB) - Supporting benign

Literature cited by the submitters: PubMed 32442410.

NM_001367873.1(SOX6):c.970C>T (p.Gln324Ter)

Gene: SOX6 (SRY-box transcription factor 6; minus strand). Cytogenetic location: 11p15.2.
Variant type: single nucleotide variant.
Coding change: c.970C>T on transcript NM_001367873.1 (MANE Select); coding-DNA position 970, C replaced by T.
Protein change: p.Gln324Ter; replaces glutamine 324 with a stop codon.
Molecular consequence: nonsense.
Genome position (GRCh38, 1-based): chr11:16,097,617, G>A on the plus strand (C>T on the coding strand, the complement: SOX6 is on the minus strand). VCF-style: chr11-16097617-G-A. GRCh37 (hg19) VCF-style: chr11-16119163-G-A.
Other names: c.970C>T, p.Gln324Ter (NM_001145811.2, NM_001145819.2, NM_001367872.1 and 2 more transcripts); short protein forms Q324*.
Identifiers: ClinVar variation 1699121 (VCV001699121.3), dbSNP rs2133975843, ClinGen allele CA379875005.